The following is an entry in ClinVar:

NM_001127178.3(PIGG):c.1614+247G>A

Gene: PIGG (phosphatidylinositol glycan anchor biosynthesis class G (EMM blood group); plus strand). Cytogenetic location: 4p16.3.
Variant type: single nucleotide variant.
Coding change: c.1614+247G>A on transcript NM_001127178.3 (MANE Select); 247 bases into the intron after coding-DNA position 1614, G replaced by A.
Molecular consequence: intron variant. On other transcripts: 3 prime UTR variant (3), missense variant (1), non-coding transcript variant (1).
Genome position (GRCh38, 1-based): chr4:522,188, G>A. VCF-style: chr4-522188-G-A. GRCh37 (hg19) VCF-style: chr4-515977-G-A.
Other names: c.*151G>A (NM_001289053.2); c.*423G>A (NM_001289055.2); c.*476G>A (NM_001289057.2); c.1814G>A, p.Arg605Lys (NM_001345989.2); c.516+247G>A (NM_001345994.2); c.1347+247G>A (NM_001345986.2, NM_001289051.2); c.1323+247G>A (NM_001345987.2); c.81+247G>A (NM_001345991.2, NM_001345990.2); and 3 more; short protein forms R605K.
Identifiers: ClinVar variation 1699387 (VCV001699387.28), dbSNP rs555564479, ClinGen allele CA91065634.

ClinVar aggregate classification (germline): Conflicting classifications of pathogenicity. Review status: criteria provided, conflicting classifications (1 of 4 stars). 3 submissions from 3 submitters: Uncertain significance (1); Likely benign (1). 1 of the submissions does not count toward it. Last evaluated 2023-05-01.

Conditions:
PIGG-related disorder. Also called: PIGG-related condition.
Intellectual disability, autosomal recessive 53 (NEDHSCA). Also called: GLYCOSYLPHOSPHATIDYLINOSITOL BIOSYNTHESIS DEFECT 13; Mental retardation, autosomal recessive 53; NEURODEVELOPMENTAL DISORDER WITH OR WITHOUT HYPOTONIA, SEIZURES, AND CEREBELLAR ATROPHY. Identifiers: Orphanet 488635, MedGen C4310794, MONDO:0014832, OMIM 616917.

Allele frequency attached by ClinVar (database versions not stated): gnomAD 0.00017 and 0.00057; TOPMed 0.00023; gnomAD exomes 0.00177; 1000 Genomes Project 30x 0.00250; 1000 Genomes Project 0.00300.
gnomAD v4.1: 862 of 603,042 alleles (0.14%); highest among the groups gnomAD compares: South Asian, 1.4%; 13 homozygotes.

Submissions (3):

CeGaT Center for Human Genetics Tuebingen
Classification: Likely benign. Last evaluated: 2023-05-01. Review status: criteria provided, single submitter. Criteria: CeGaT Center For Human Genetics Tuebingen Variant Classification Criteria Version 2. Collection method: clinical testing. Allele origin: germline. Affected: yes. Observed: 2 variant alleles.
Comment: PIGG: BS1

Victorian Clinical Genetics Services, Murdoch Childrens Research Institute
Classification: Uncertain significance for Intellectual disability, autosomal recessive 53. Last evaluated: 2022-02-02. Review status: criteria provided, single submitter. Criteria: ACMG Guidelines, 2015. Collection method: clinical testing. Allele origin: germline. Inheritance: Autosomal recessive inheritance.
Comment: Based on the classification scheme VCGS_Germline_v1.3.4, this variant is classified as VUS-3C. Following criteria are met: 0102 - Loss of function is a known mechanism of disease in this gene and is associated with PIGG-related neurodevelopmental disorder (MIM#616917). (I) 0106 - This gene is associated with autosomal recessive disease. (I) 0200 - Variant is predicted to result in a missense amino acid change from arginine to lysine. (I) 0219 - This variant is non-coding in an alternative transcript. This variant is non-coding in all other RefSeq transcripts, including the ClinVar predominant transcript (UCSC). (I) 0252 - This variant is homozygous. (I) 0304 - Variant is present in gnomAD <0.01 for a recessive condition (v3: 87 heterozygotes, 0 homozygotes). (SP) 0503 - Missense variant consistently predicted to be tolerated by multiple in silico tools or not conserved in placental mammals with a minor amino acid change. (SB) 0604 - Variant is not located in an established domain, motif, hotspot or informative constraint region. (I) 0705 - No comparable missense variants have previous evidence for pathogenicity. (I) 0807 - This variant has no previous evidence of pathogenicity. (I) 0905 - No published segregation evidence has been identified for this variant. (I) 1007 - No published functional evidence has been identified for this variant. (I) Legend: (SP) - Supporting pathogenic, (I) - Information, (SB) - Supporting benign

PreventionGenetics, part of Exact Sciences
Classification: Likely benign for PIGG-related condition. Last evaluated: 2019-04-30. Review status: no assertion criteria provided. Collection method: clinical testing. Allele origin: germline. Not counted in ClinVar's aggregate classification.
Comment: This variant is classified as likely benign based on ACMG/AMP sequence variant interpretation guidelines (Richards et al. 2015 PMID: 25741868, with internal and published modifications).